The following is an entry in ClinVar:

ClinVar aggregate classification (germline): Uncertain significance (1 of 4 stars; one submission).

Conditions:
Intellectual developmental disorder, X-linked 106. Also called: Intellectual disability, X-linked 106; Mental retardation, X-linked 106. Identifiers: MedGen C4478379, MONDO:0030907, OMIM 300997.

Submission:

Laboratorio de Genetica e Diagnostico Molecular, Hospital Israelita Albert Einstein
Classification: Uncertain significance for Intellectual developmental disorder, X-linked 106. Last evaluated: 2024-08-23. Review status: criteria provided, single submitter. Criteria: ACMG Guidelines, 2015. Collection method: clinical testing. Allele origin: germline. Affected: yes.
Comment: ACMG classification criteria: PM2 supporting, PP2 supporting, BP4 supporting

NM_181672.3(OGT):c.7T>C (p.Ser3Pro)

Genes: OGT (O-linked N-acetylglucosamine (GlcNAc) transferase; plus strand), LOC126863277 (MED14-independent group 3 enhancer GRCh37_chrX:70752005-70753204; plus strand). Cytogenetic location: Xq13.1.
Variant type: single nucleotide variant.
Coding change: c.7T>C on transcript NM_181672.3 (MANE Select); coding-DNA position 7, T replaced by C.
Protein change: p.Ser3Pro; replaces serine 3 with proline.
Molecular consequence: missense variant.
Genome position (GRCh38, 1-based): chrX:71,533,306, T>C. VCF-style: chrX-71533306-T-C. GRCh37 (hg19) VCF-style: chrX-70753156-T-C.
Other names: c.7T>C, p.Ser3Pro (NM_181673.3); short protein forms S3P.
Identifiers: ClinVar variation 4056691 (VCV004056691.1).
Genomic context (GRCh38, chrX:71,533,306, plus strand): 5'-GTGGCGGCAGCAGGACCAATTACCTCTTTTTTGCTCTCCCTCGAGAAGCTCCAGATGGCG[T>C]CTTCCGTGGGCAACGTGGCCGACAGCACAGGTACCGGTGTCCCGTTCTACCTTGGCAGAT-3'
Protein context (NP_858058.1, residues 1-13): MA[Ser3Pro]SVGNVADSTE